The following is an entry in ClinVar:

NM_000377.3(WAS):c.230A>G (p.Asp77Gly)

Gene: WAS (WASP actin nucleation promoting factor; plus strand). Cytogenetic location: Xp11.23.
Variant type: single nucleotide variant.
Coding change: c.230A>G on transcript NM_000377.3 (MANE Select); coding-DNA position 230, A replaced by G.
Protein change: p.Asp77Gly; replaces aspartic acid 77 with glycine.
Molecular consequence: missense variant.
Genome position (GRCh38, 1-based): chrX:48,684,380, A>G. VCF-style: chrX-48684380-A-G. GRCh37 (hg19) VCF-style: chrX-48542769-A-G.
Other names: short protein forms D77G.
Identifiers: ClinVar variation 2630734 (VCV002630734.6), dbSNP rs2519278581, ClinGen allele CA412866557.

ClinVar aggregate classification (germline): Conflicting classifications of pathogenicity. Review status: criteria provided, conflicting classifications (1 of 4 stars). 4 submissions from 4 submitters: Likely pathogenic (2); Uncertain significance (2). Last evaluated 2026-05-07.

Conditions:
WAS-related disorder. Also called: WAS-related condition; WAS-Related Disorders. Identifiers: MedGen CN381538.
Thrombocytopenia 1. Also called: THROMBOCYTOPENIA, X-LINKED, 1; X-Linked Thrombocytopenia (XLT); X-linked thrombocytopenia with normal platelets. Identifiers: Orphanet 268322, Orphanet 852, MedGen C1839163, MONDO:0010743, OMIM 313900.
Wiskott-Aldrich syndrome (WAS). Also called: ALDRICH SYNDROME; IMMUNODEFICIENCY 2; WISKOTT-ALDRICH SYNDROME 1; Wiskott-aldrich syndrome, somatic. Identifiers: Orphanet 906, MedGen C0043194, MONDO:0010518, OMIM 301000.
X-linked severe congenital neutropenia (SCNX). Identifiers: Orphanet 86788, MedGen C1845987, MONDO:0010294, OMIM 300299.

Submissions (4):

Women's Health and Genetics/Laboratory Corporation of America, LabCorp
Classification: Likely pathogenic for Thrombocytopenia 1. Last evaluated: 2026-05-07. Review status: criteria provided, single submitter. Criteria: LabCorp Variant Classification Summary - May 2015. Collection method: clinical testing. Allele origin: germline.
Comment: Variant summary: WAS c.230A>G (p.Asp77Gly) results in a non-conservative amino acid change in the encoded protein sequence. Algorithms developed to predict the effect of missense changes on protein structure and function all suggest that this variant is likely to be disruptive. The variant was absent in 182289 control chromosomes. c.230A>G has been observed in the presumed hemizygous state in at least 3 individual(s) affected with Thrombocytopenia 1 (example, Albert_2010, Wu_2015). These data indicate that the variant may be associated with disease. At least one publication reports experimental evidence evaluating an impact on protein function in patient cells. The most pronounced variant effect results in absent WAS protein expression per flow cytometry results (Wu_2015). The following publications have been ascertained in the context of this evaluation (PMID: 20173115, 15284122, 11745360, 26409660, 25091438). ClinVar contains an entry for this variant (Variation ID: 2630734). Based on the evidence outlined above, the variant was classified as likely pathogenic.

PreventionGenetics, part of Exact Sciences
Classification: Uncertain significance for WAS-related condition. Last evaluated: 2023-09-22. Review status: criteria provided, single submitter. Criteria: ACMG Guidelines, 2015. Collection method: clinical testing. Allele origin: germline.
Comment: The WAS c.230A>G variant is predicted to result in the amino acid substitution p.Asp77Gly. This variant has been reported in individuals with Wiskott-Aldrich syndrome (described as c.264A>G, Allavena et al. 2001. PubMed ID: 11745360; Jin et al. 2004. PubMed ID: 15284122). This variant could affect WAS protein expression (Jin et al. 2004. PubMed ID: 15284122). Different missense variants in the same codon (p.Asp77His; p.Asp77Asn; p.Asp77Glu) have also been reported in individuals with Wiskott-Aldrich syndrome (Jin et al. 2004. PubMed ID: 15284122; Table E1, Chiang et al. 2018. PubMed ID: 29729304 ). This variant has not been reported in a large population database, indicating this variant is rare. Although we suspect that this variant may be pathogenic, at this time, the clinical significance of this variant is uncertain due to the absence of conclusive functional and genetic evidence.

Labcorp Genetics (formerly Invitae), Labcorp
Classification: Uncertain significance for Wiskott-Aldrich syndrome; X-linked severe congenital neutropenia; Thrombocytopenia 1. Last evaluated: 2023-08-24. Review status: criteria provided, single submitter. Criteria: Invitae Variant Classification Sherloc (09022015). Collection method: clinical testing. Allele origin: germline.
Comment: This sequence change replaces aspartic acid, which is acidic and polar, with glycine, which is neutral and non-polar, at codon 77 of the WAS protein (p.Asp77Gly). In summary, the available evidence is currently insufficient to determine the role of this variant in disease. Therefore, it has been classified as a Variant of Uncertain Significance. This variant disrupts the p.Asp77 amino acid residue in WAS. Other variant(s) that disrupt this residue have been observed in individuals with WAS-related conditions (PMID: 15284122), which suggests that this may be a clinically significant amino acid residue. Advanced modeling of protein sequence and biophysical properties (such as structural, functional, and spatial information, amino acid conservation, physicochemical variation, residue mobility, and thermodynamic stability) performed at Invitae indicates that this missense variant is expected to disrupt WAS protein function. This missense change has been observed in individual(s) with Wiskott-Aldrich syndrome (PMID: 11745360, 15284122). This variant is not present in population databases (gnomAD no frequency).

Blueprint Genetics
Classification: Likely pathogenic for WAS-related disorders. Last evaluated: 2017-06-16. Review status: criteria provided, single submitter. Criteria: ACMG Guidelines, 2015. Collection method: clinical testing. Allele origin: germline. Affected: yes. Observed: 1 variant allele.

Literature cited by the submitters: PubMed 11745360 (cited by Women's Health and Genetics/Laboratory Corporation of America, LabCorp and Labcorp Genetics (formerly Invitae), Labcorp); PubMed 15284122 (cited by Women's Health and Genetics/Laboratory Corporation of America, LabCorp and Labcorp Genetics (formerly Invitae), Labcorp); PubMed 20173115 (cited by Women's Health and Genetics/Laboratory Corporation of America, LabCorp); PubMed 25091438 (cited by Women's Health and Genetics/Laboratory Corporation of America, LabCorp); PubMed 26409660 (cited by Women's Health and Genetics/Laboratory Corporation of America, LabCorp).